The following is an entry in ClinVar:

NM_015981.4(CAMK2A):c.62+5G>C

Gene: CAMK2A (calcium/calmodulin dependent protein kinase II alpha; minus strand). Cytogenetic location: 5q32.
Variant type: single nucleotide variant.
Coding change: c.62+5G>C on transcript NM_015981.4 (MANE Select); 5 bases into the intron after coding-DNA position 62, G replaced by C.
Molecular consequence: intron variant.
Genome position (GRCh38, 1-based): chr5:150,289,559, C>G on the plus strand (G>C on the coding strand, the complement: CAMK2A is on the minus strand). VCF-style: chr5-150289559-C-G. GRCh37 (hg19) VCF-style: chr5-149669122-C-G.
Other names: c.62+5G>C (NM_001363990.1, NM_001363989.1, NM_171825.3 and 1 more transcripts).
Identifiers: ClinVar variation 3263006 (VCV003263006.1).

ClinVar aggregate classification (germline): Uncertain significance (1 of 4 stars; one submission).

Conditions:
Inborn genetic diseases. Identifiers: MedGen C0950123, MeSH D030342.

Submission:

Ambry Genetics
Classification: Uncertain significance for Inborn genetic diseases. Last evaluated: 2024-06-05. Review status: criteria provided, single submitter. Criteria: Ambry Variant Classification Scheme 2023. Collection method: clinical testing. Allele origin: germline.
Comment: The c.62+5G>C intronic alteration results from a G to C substitution 5 nucleotides after coding exon 1 of the CAMK2A gene. This variant was not reported in population-based cohorts in the Genome Aggregation Database (gnomAD). This nucleotide position is highly conserved in available vertebrate species. In silico splice site analysis predicts that this alteration will weaken the native splice donor site and will result in the creation or strengthening of a novel splice donor site. Based on insufficient or conflicting evidence, the clinical significance of this alteration remains unclear.